The following is an entry in ClinVar:

NM_002609.4(PDGFRB):c.1456G>A (p.Glu486Lys)

Gene: PDGFRB (platelet derived growth factor receptor beta; minus strand). Cytogenetic location: 5q32.
Variant type: single nucleotide variant.
Coding change: c.1456G>A on transcript NM_002609.4 (MANE Select); coding-DNA position 1456, G replaced by A.
Protein change: p.Glu486Lys; replaces glutamic acid 486 with lysine.
Molecular consequence: missense variant.
Genome position (GRCh38, 1-based): chr5:150,129,880, C>T on the plus strand (G>A on the coding strand, the complement: PDGFRB is on the minus strand). VCF-style: chr5-150129880-C-T. GRCh37 (hg19) VCF-style: chr5-149509443-C-T.
Other names: c.1264G>A, p.Glu422Lys (NM_001355016.2); c.973G>A, p.Glu325Lys (NM_001355017.2); short protein forms E325K, E422K, E486K.
Identifiers: ClinVar variation 2635315 (VCV002635315.1), dbSNP rs2481219333, ClinGen allele CA361714910.

ClinVar aggregate classification (germline): Uncertain significance (1 of 4 stars; one submission).

Conditions:
PDGFRB-related disorder. Also called: PDGFRB-related condition.

gnomAD v4.1: 1 of 1,614,092 alleles (0.000062%); no homozygotes.

Submission:

PreventionGenetics, part of Exact Sciences
Classification: Uncertain significance for PDGFRB-related condition. Last evaluated: 2022-11-26. Review status: criteria provided, single submitter. Criteria: ACMG Guidelines, 2015. Collection method: clinical testing. Allele origin: germline.
Comment: The PDGFRB c.1456G>A variant is predicted to result in the amino acid substitution p.Glu486Lys. To our knowledge, this variant has not been reported in the literature or in a large population database, indicating this variant is rare. At this time, the clinical significance of this variant is uncertain due to the absence of conclusive functional and genetic evidence.